The following is an entry in ClinVar:

NM_003245.4(TGM3):c.447C>T (p.His149=)

Gene: TGM3 (transglutaminase 3; plus strand). Cytogenetic location: 20p13.
Variant type: single nucleotide variant.
Coding change: c.447C>T on transcript NM_003245.4 (MANE Select); coding-DNA position 447, C replaced by T.
Protein change: p.His149=; no amino-acid change (histidine 149 retained).
Molecular consequence: synonymous variant.
Genome position (GRCh38, 1-based): chr20:2,311,036, C>T. VCF-style: chr20-2311036-C-T. GRCh37 (hg19) VCF-style: chr20-2291682-C-T.
Identifiers: ClinVar variation 3350359 (VCV003350359.2).

ClinVar aggregate classification (germline): Likely benign. Review status: criteria provided, single submitter (1 of 4 stars). 2 submissions from 2 submitters: Likely benign (1). 1 of the submissions does not count toward it. Last evaluated 2024-11-06.

Conditions:
TGM3-related disorder. Also called: TGM3-related condition.

gnomAD v4.1: 315 of 1,614,010 alleles (0.02%); highest among the groups gnomAD compares: Middle Eastern, 0.53%; 3 homozygotes.

Submissions (2):

Blueprint Genetics
Classification: Likely benign. Last evaluated: 2024-11-06. Review status: criteria provided, single submitter. Criteria: ACMG Guidelines, 2015. Collection method: clinical testing. Allele origin: germline.

PreventionGenetics, part of Exact Sciences
Classification: Likely benign for TGM3-related condition. Last evaluated: 2024-07-09. Review status: no assertion criteria provided. Collection method: clinical testing. Allele origin: germline. Not counted in ClinVar's aggregate classification.
Comment: This variant is classified as likely benign based on ACMG/AMP sequence variant interpretation guidelines (Richards et al. 2015 PMID: 25741868, with internal and published modifications).